The following is an entry in ClinVar:

ClinVar aggregate classification (germline): Conflicting classifications of pathogenicity. Review status: criteria provided, conflicting classifications (1 of 4 stars). 3 submissions from 3 submitters: Uncertain significance (2); Likely benign (1). Last evaluated 2025-09-05.

Conditions:
Multiple endocrine neoplasia, type 1 (MEN1). Also called: MEN I; WERMER SYNDROME; Endocrine adenomatosis multiple; MEN 1; MEA I. Identifiers: Orphanet 652, MedGen C0025267, MeSH D018761, MONDO:0007540, OMIM 131100.
Hereditary cancer-predisposing syndrome. Also called: Neoplastic Syndromes, Hereditary; Hereditary Cancer Syndrome; Hereditary neoplastic syndrome; Tumor predisposition. Identifiers: Orphanet 140162, MedGen C0027672, MeSH D009386, MONDO:0015356.

Allele frequency attached by ClinVar (database versions not stated): TOPMed below 0.00001; ExAC 0.00001; gnomAD exomes 0.00001.
gnomAD v4.1: 2 of 1,614,170 alleles (0.00012%); highest among the groups gnomAD compares: Admixed American, 0.0033%; no homozygotes.

Submissions (3):

Color Diagnostics, LLC DBA Color Health
Classification: Uncertain significance for Multiple endocrine neoplasia, type 1. Last evaluated: 2025-09-05. Review status: criteria provided, single submitter. Criteria: ACMG Guidelines, 2015. Collection method: clinical testing. Allele origin: germline.
Comment: This missense variant replaces threonine with isoleucine at codon 568 of the MEN1 protein. Computational prediction is inconclusive regarding the impact of this variant on protein structure and function. To our knowledge, functional studies have not been reported for this variant. This variant has not been reported in individuals affected with MEN1-related disorders in the literature. This variant has been identified in 2/251412 chromosomes in the general population by the Genome Aggregation Database (gnomAD). The available evidence is insufficient to determine the role of this variant in disease conclusively. Therefore, this variant is classified as a Variant of Uncertain Significance.

Labcorp Genetics (formerly Invitae), Labcorp
Classification: Uncertain significance for Multiple endocrine neoplasia, type 1. Last evaluated: 2025-03-01. Review status: criteria provided, single submitter. Criteria: Invitae Variant Classification Sherloc (09022015). Collection method: clinical testing. Allele origin: germline.
Comment: This sequence change replaces threonine, which is neutral and polar, with isoleucine, which is neutral and non-polar, at codon 568 of the MEN1 protein (p.Thr568Ile). This variant is present in population databases (rs751839903, gnomAD 0.003%). This variant has not been reported in the literature in individuals affected with MEN1-related conditions. ClinVar contains an entry for this variant (Variation ID: 848775). Invitae Evidence Modeling of protein sequence and biophysical properties (such as structural, functional, and spatial information, amino acid conservation, physicochemical variation, residue mobility, and thermodynamic stability) indicates that this missense variant is not expected to disrupt MEN1 protein function with a negative predictive value of 80%. In summary, the available evidence is currently insufficient to determine the role of this variant in disease. Therefore, it has been classified as a Variant of Uncertain Significance.

Ambry Genetics
Classification: Likely benign for Hereditary cancer-predisposing syndrome. Last evaluated: 2023-07-06. Review status: criteria provided, single submitter. Criteria: Ambry Variant Classification Scheme 2023. Collection method: clinical testing. Allele origin: germline.

NM_001370259.2(MEN1):c.1703C>T (p.Thr568Ile)

Gene: MEN1 (menin 1; minus strand). Cytogenetic location: 11q13.1.
Variant type: single nucleotide variant.
Coding change: c.1703C>T on transcript NM_001370259.2 (MANE Select); coding-DNA position 1703, C replaced by T.
Protein change: p.Thr568Ile; replaces threonine 568 with isoleucine.
Molecular consequence: missense variant.
Genome position (GRCh38, 1-based): chr11:64,804,464, G>A on the plus strand (C>T on the coding strand, the complement: MEN1 is on the minus strand). VCF-style: chr11-64804464-G-A. GRCh37 (hg19) VCF-style: chr11-64571936-G-A.
Other names: c.1703C>T, p.Thr568Ile (NM_130799.3, NM_001370260.2, NM_001370261.2); c.1718C>T, p.Thr573Ile (NM_130800.3, NM_130801.3, NM_130802.3 and 3 more transcripts); c.1829C>T, p.Thr610Ile (NM_001370251.2); c.1598C>T, p.Thr533Ile (NM_001370262.2, NM_001370263.2); short protein forms T533I, T573I, T610I, T568I.
Identifiers: ClinVar variation 848775 (VCV000848775.12), dbSNP rs751839903, ClinGen allele CA060914.